The following is an entry in ClinVar:

ClinVar aggregate classification (germline): Likely pathogenic (1 of 4 stars; one submission).

Conditions:
Joubert syndrome. Also called: JOUBERT-BOLTSHAUSER SYNDROME; Familial aplasia of the vermis. Identifiers: Orphanet 475, MedGen C5979921, MONDO:0018772.
Meckel-Gruber syndrome. Also called: DYSENCEPHALIA SPLANCHNOCYSTICA; GRUBER SYNDROME; Dysencephalia splachnocystica. Identifiers: Orphanet 564, MedGen C0265215, MONDO:0018921.

Submission:

Labcorp Genetics (formerly Invitae), Labcorp
Classification: Likely pathogenic for Joubert syndrome; Meckel-Gruber syndrome. Last evaluated: 2024-05-24. Review status: criteria provided, single submitter. Criteria: Invitae Variant Classification Sherloc (09022015). Collection method: clinical testing. Allele origin: germline.
Comment: This variant results in the deletion of part of exon 17 (c.1993_2003+43del) of the CC2D2A gene. It is expected to disrupt RNA splicing. Variants that disrupt the donor or acceptor splice site typically lead to a loss of protein function (PMID: 16199547), and loss-of-function variants in CC2D2A are known to be pathogenic (PMID: 19777577). This variant is not present in population databases (gnomAD no frequency). This variant has not been reported in the literature in individuals affected with CC2D2A-related conditions. In summary, the currently available evidence indicates that the variant is pathogenic, but additional data are needed to prove that conclusively. Therefore, this variant has been classified as Likely Pathogenic.

Literature cited by the submitters: PubMed 16199547; PubMed 19777577.

NM_001378615.1(CC2D2A):c.1993_2003+43del

Genes: CC2D2A (coiled-coil and C2 domain containing 2A; plus strand), FBXL5 (F-box and leucine rich repeat protein 5; minus strand). Cytogenetic location: 4p15.32.
Variant type: Deletion.
Coding change: c.1993_2003+43del on transcript NM_001378615.1 (MANE Select); coding-DNA position 1993 through 43 bases into the intron after coding-DNA position 2003, 54 bases deleted.
Molecular consequence: splice donor variant.
Genome position (GRCh38, 1-based): chr4:15,538,127-15,538,180, 54 bases deleted. GRCh37 (hg19): chr4:15,539,750-15,539,803.
Other names: c.1993_2003+43del (NM_001080522.2); c.1846_1856+43del (NM_001378617.1).
Identifiers: ClinVar variation 3756399 (VCV003756399.2).